The following is an entry in ClinVar:

NM_001377.3(DYNC2H1):c.54G>T (p.Gln18His)

Gene: DYNC2H1 (dynein cytoplasmic 2 heavy chain 1; plus strand). Cytogenetic location: 11q22.3.
Variant type: single nucleotide variant.
Coding change: c.54G>T on transcript NM_001377.3 (MANE Select); coding-DNA position 54, G replaced by T.
Protein change: p.Gln18His; replaces glutamine 18 with histidine.
Molecular consequence: missense variant.
Genome position (GRCh38, 1-based): chr11:103,109,628, G>T. VCF-style: chr11-103109628-G-T. GRCh37 (hg19) VCF-style: chr11-102980357-G-T.
Other names: c.54G>T, p.Gln18His (NM_001080463.2); short protein forms Q18H.
Identifiers: ClinVar variation 1522304 (VCV001522304.3), dbSNP rs762801465, ClinGen allele CA6252382.
Genomic context (GRCh38, chr11:103,109,628, plus strand): 5'-TCCAATCATGGCGAACGGGACTGCGGACGTTCGGAAGCTCTTCATCTTCACTACTACCCA[G>T]AATTACTTCGGGTTGATGTCTGAACTCTGGGATCAGCCACTGTTGTGCAACTGTCTTGAA-3'
Protein context (NP_001368.2, residues 8-28): VRKLFIFTTT[Gln18His]NYFGLMSELW

ClinVar aggregate classification (germline): Uncertain significance (1 of 4 stars; one submission).

Conditions:
Jeune thoracic dystrophy. Also called: Jeune syndrome; Infantile thoracic dystrophy; Thoracic pelvic phalangeal dystrophy; Jeune's syndrome; Chondroectodermal dysplasia-like syndrome; Short-rib thoracic dysplasia. Identifiers: Orphanet 474, MedGen C0265275, MONDO:0018770.

Allele frequency attached by ClinVar (database versions not stated): gnomAD 0.00001; gnomAD exomes 0.00001 and 0.00002; ExAC 0.00002; TOPMed 0.00003.
gnomAD v4.1: 31 of 1,613,816 alleles (0.0019%); highest among the groups gnomAD compares: Non-Finnish European, 0.0025%; no homozygotes.

Submission:

Labcorp Genetics (formerly Invitae), Labcorp
Classification: Uncertain significance for Jeune thoracic dystrophy. Last evaluated: 2021-08-12. Review status: criteria provided, single submitter. Criteria: Invitae Variant Classification Sherloc (09022015). Collection method: clinical testing. Allele origin: germline.
Comment: This sequence change replaces glutamine with histidine at codon 18 of the DYNC2H1 protein (p.Gln18His). The glutamine residue is moderately conserved and there is a small physicochemical difference between glutamine and histidine. This variant is present in population databases (rs762801465, ExAC 0.003%). This variant has not been reported in the literature in individuals affected with DYNC2H1-related conditions. Advanced modeling of protein sequence and biophysical properties (such as structural, functional, and spatial information, amino acid conservation, physicochemical variation, residue mobility, and thermodynamic stability) performed at Invitae indicates that this missense variant is not expected to disrupt DYNC2H1 protein function. In summary, the available evidence is currently insufficient to determine the role of this variant in disease. Therefore, it has been classified as a Variant of Uncertain Significance.